The following is an entry in ClinVar:

NM_032242.4(PLXNA1):c.1897+9C>T

Gene: PLXNA1 (plexin A1; plus strand). Cytogenetic location: 3q21.3.
Variant type: single nucleotide variant.
Coding change: c.1897+9C>T on transcript NM_032242.4 (MANE Select); 9 bases into the intron after coding-DNA position 1897, C replaced by T.
Molecular consequence: intron variant.
Genome position (GRCh38, 1-based): chr3:127,005,252, C>T. VCF-style: chr3-127005252-C-T. GRCh37 (hg19) VCF-style: chr3-126724095-C-T.
Identifiers: ClinVar variation 3351838 (VCV003351838.1).

ClinVar aggregate classification (germline): Likely benign (0 of 4 stars; one submission).

Conditions:
PLXNA1-related disorder. Also called: PLXNA1-related condition.

gnomAD v4.1: 4 of 1,599,012 alleles (0.00025%); highest among the groups gnomAD compares: Admixed American, 0.0017%; no homozygotes.

Submission:

PreventionGenetics, part of Exact Sciences
Classification: Likely benign for PLXNA1-related condition. Last evaluated: 2023-01-24. Review status: no assertion criteria provided. Collection method: clinical testing. Allele origin: germline.
Comment: This variant is classified as likely benign based on ACMG/AMP sequence variant interpretation guidelines (Richards et al. 2015 PMID: 25741868, with internal and published modifications).